The following is an entry in ClinVar:

ClinVar aggregate classification (germline): Pathogenic (1 of 4 stars; one submission).

Submission:

Labcorp Genetics (formerly Invitae), Labcorp
Classification: Pathogenic. Last evaluated: 2023-07-14. Review status: criteria provided, single submitter. Criteria: Invitae Variant Classification Sherloc (09022015). Collection method: clinical testing. Allele origin: unknown.
Comment: This variant is a gross deletion of the genomic region encompassing exon(s) 2-7 of the PAFAH1B1 gene, which includes the initiator codon. This deletion extends beyond the assayed region for this gene and therefore may encompass additional genes. It is expected to result in an absent or disrupted protein product. Loss-of-function variants in PAFAH1B1 are known to be pathogenic (PMID: 1671808, 11115846, 14581661). This variant has not been reported in the literature in individuals affected with PAFAH1B1-related conditions. For these reasons, this variant has been classified as Pathogenic.

Literature cited by the submitters: PubMed 1671808; PubMed 11115846; PubMed 14581661.

NC_000017.10:g.(?_2541583)_(2576071_?)del

Gene: PAFAH1B1 (platelet activating factor acetylhydrolase 1b regulatory subunit 1; plus strand). Cytogenetic location: 17p13.3.
Variant type: Deletion.
Identifiers: ClinVar variation 3243121 (VCV003243121.1).